The following is an entry in ClinVar:

NM_144701.3(IL23R):c.1630A>G (p.Ile544Val)

Gene: IL23R (interleukin 23 receptor; plus strand). Cytogenetic location: 1p31.3.
Variant type: single nucleotide variant.
Coding change: c.1630A>G on transcript NM_144701.3 (MANE Select); coding-DNA position 1630, A replaced by G.
Protein change: p.Ile544Val; replaces isoleucine 544 with valine.
Molecular consequence: missense variant.
Genome position (GRCh38, 1-based): chr1:67,258,868, A>G. VCF-style: chr1-67258868-A-G. GRCh37 (hg19) VCF-style: chr1-67724551-A-G.
Other names: short protein forms I544V.
Identifiers: ClinVar variation 2780766 (VCV002780766.3), dbSNP rs1350588209, ClinGen allele CA340728927.

ClinVar aggregate classification (germline): Uncertain significance (1 of 4 stars; one submission).

Allele frequency attached by ClinVar (database versions not stated): gnomAD exomes 0.00001; TOPMed 0.00001.
gnomAD v4.1: 19 of 1,614,094 alleles (0.0012%); highest among the groups gnomAD compares: Non-Finnish European, 0.0015%; no homozygotes.

Submission:

Labcorp Genetics (formerly Invitae), Labcorp
Classification: Uncertain significance. Last evaluated: 2023-02-09. Review status: criteria provided, single submitter. Criteria: Invitae Variant Classification Sherloc (09022015). Collection method: clinical testing. Allele origin: germline.
Comment: This sequence change replaces isoleucine, which is neutral and non-polar, with valine, which is neutral and non-polar, at codon 544 of the IL23R protein (p.Ile544Val). This variant is present in population databases (no rsID available, gnomAD 0.0009%). This variant has not been reported in the literature in individuals affected with IL23R-related conditions. Algorithms developed to predict the effect of missense changes on protein structure and function output the following: SIFT: "Tolerated"; PolyPhen-2: "Benign"; Align-GVGD: "Class C0". The valine amino acid residue is found in multiple mammalian species, which suggests that this missense change does not adversely affect protein function. In summary, the available evidence is currently insufficient to determine the role of this variant in disease. Therefore, it has been classified as a Variant of Uncertain Significance.